The following is an entry in ClinVar:

NM_002150.3(HPD):c.412_414del (p.Thr138del)

Genes: HPD (4-hydroxyphenylpyruvate dioxygenase; minus strand), TIALD (transcript inducer of AURKA lysosomal degradation; plus strand). Cytogenetic location: 12q24.31.
Variant type: Deletion.
Coding change: c.412_414del on transcript NM_002150.3 (MANE Select); coding-DNA positions 412 to 414, 3 bases deleted (ACG; older notation c.412_414delACG).
Protein change: p.Thr138del; deletes threonine 138.
Genome position (GRCh38, 1-based): chr12:121,854,703-121,854,705, CGT deleted on the plus strand (ACG on the coding strand, the reverse complement: HPD is on the minus strand); deleting any 3 consecutive bases within chr12:121,854,703-121,854,706 gives the same sequence; the c. name uses the placement nearest the transcript's 3' end. VCF-style (leftmost placement, unchanged base first): chr12-121854702-CCGT-C. GRCh37 (hg19) VCF-style: chr12-122292608-CCGT-C.
Other names: c.295_297del, p.Thr99del (NM_001171993.2); short protein forms T99del, T138del.
Identifiers: ClinVar variation 4791697 (VCV004791697.1).
Genomic context (GRCh38, chr12:121,854,702, plus strand): 5'-GGCTCCTGGCATCTCAGTGGTGCCGACAGCAGGAGGGGTGGGGGCACCAAAGGGAACTCA[CCGT>C]CTGCAGCACAGCAAACTTCACCTTCCCAAACTTGTCTTGCTCTACCCAGGGCTCCCGCAT-3'

ClinVar aggregate classification (germline): Uncertain significance (1 of 4 stars; one submission).

Conditions:
Hawkinsinuria. Identifiers: Orphanet 2118, MedGen C2931042, MONDO:0007700, OMIM 140350, HP:0034457.
Tyrosinemia type III. Also called: Tyrosinemia type 3; 4-alpha hydroxyphenylpyruvic acid oxidase deficiency; 4-alpha hydroxyphenylpyruvate dioxygenase deficiency; 4-Hydroxyphenylpyruvate dioxygenase deficiency; 4-HYDROXYPHENYLPYRUVIC ACID OXIDASE DEFICIENCY. Identifiers: Orphanet 69723, MedGen C0268623, MONDO:0010162, OMIM 276710.

Submission:

Labcorp Genetics (formerly Invitae), Labcorp
Classification: Uncertain significance for Tyrosinemia type III; Hawkinsinuria. Last evaluated: 2025-04-10. Review status: criteria provided, single submitter. Criteria: Invitae Variant Classification Sherloc (09022015). Collection method: clinical testing. Allele origin: germline.
Comment: This variant, c.412_414del, results in the deletion of 1 amino acid(s) of the HPD protein (p.Thr138del), but otherwise preserves the integrity of the reading frame. This variant is not present in population databases (gnomAD no frequency). This variant has not been reported in the literature in individuals affected with HPD-related conditions. Experimental studies and prediction algorithms are not available or were not evaluated, and the functional significance of this variant is currently unknown. Algorithms developed to predict the effect of sequence changes on RNA splicing suggest that this variant may disrupt the consensus splice site. In summary, the available evidence is currently insufficient to determine the role of this variant in disease. Therefore, it has been classified as a Variant of Uncertain Significance.